The following is an entry in ClinVar:

ClinVar aggregate classification (germline): Likely pathogenic (1 of 4 stars; one submission).

Conditions:
Alstrom syndrome (ALMS). Identifiers: Orphanet 64, MedGen C0268425, MONDO:0008763, OMIM 203800.

Submission:

Myriad Genetics, Inc.
Classification: Likely pathogenic for Alstrom syndrome. Last evaluated: 2022-02-12. Review status: criteria provided, single submitter. Criteria: Myriad Women's Health Autosomal Recessive and X-Linked Classification Criteria (2021). Collection method: clinical testing. Allele origin: unknown.
Comment: NM_015120.4(ALMS1):c.5932A>T(K1978*) is expected to be pathogenic in the context of Alstrom syndrome. This variant is predicted to lead to an abnormal or absent protein product due to the creation of a premature termination codon in ALMS1, a gene where loss-of-function variants are known to be pathogenic. Please note: this variant was assessed in the context of healthy population screening.

NM_001378454.1(ALMS1):c.5929A>T (p.Lys1977Ter)

Gene: ALMS1 (ALMS1 centrosome and basal body associated protein; plus strand). Cytogenetic location: 2p13.1.
Variant type: single nucleotide variant.
Coding change: c.5929A>T on transcript NM_001378454.1 (MANE Select); coding-DNA position 5929, A replaced by T.
Protein change: p.Lys1977Ter; replaces lysine 1977 with a stop codon.
Molecular consequence: nonsense.
Genome position (GRCh38, 1-based): chr2:73,452,456, A>T. VCF-style: chr2-73452456-A-T. GRCh37 (hg19) VCF-style: chr2-73679583-A-T.
Other names: c.5932A>T, p.Lys1978Ter (NM_015120.4); short protein forms K1977*, K1978*.
Identifiers: ClinVar variation 1724372 (VCV001724372.2), dbSNP rs1228270049, ClinGen allele CA347283965.
Genomic context (GRCh38, chr2:73,452,456, plus strand): 5'-GACAGTCATCTCACAGAAGAGGCTCTGAAAGTTTCACCTGTTTCTATACCAGCAGAGCAG[A>T]AGACTGGGATACCAATAGGACTGTCTAGTTCCTACTCACATTCACATAAAGAGAAACTCA-3'